The following is an entry in ClinVar:

ClinVar aggregate classification (germline): Likely pathogenic (1 of 4 stars; one submission).

Submission:

GeneDx
Classification: Likely pathogenic. Last evaluated: 2026-01-14. Review status: criteria provided, single submitter. Criteria: GeneDx Variant Classification Process June 2021. Collection method: clinical testing. Allele origin: germline. Affected: yes.
Comment: Not observed at significant frequency in large population cohorts (gnomAD); In silico analysis supports that this missense variant has a deleterious effect on protein structure/function; Has not been previously published as pathogenic or benign to our knowledge; This variant is associated with the following publications: (PMID: 25596066)

NM_001127222.2(CACNA1A):c.814T>G (p.Cys272Gly)

Gene: CACNA1A (calcium voltage-gated channel subunit alpha1 A; minus strand). Cytogenetic location: 19p13.13.
Variant type: single nucleotide variant.
Coding change: c.814T>G on transcript NM_001127222.2 (MANE Select); coding-DNA position 814, T replaced by G.
Protein change: p.Cys272Gly; replaces cysteine 272 with glycine.
Molecular consequence: missense variant.
Genome position (GRCh38, 1-based): chr19:13,359,770, A>C on the plus strand (T>G on the coding strand, the complement: CACNA1A is on the minus strand). VCF-style: chr19-13359770-A-C. GRCh37 (hg19) VCF-style: chr19-13470584-A-C.
Other names: c.814T>G, p.Cys272Gly (NM_000068.4, NM_001127221.2, NM_001174080.2 and 1 more transcripts); short protein forms C272G.
Identifiers: ClinVar variation 3383869 (VCV003383869.2).
Genomic context (GRCh38, chr19:13,359,770, plus strand): 5'-CCCAGTAGGGCTGACATTTGGTCCCATTGGGGCAGGTGCGGGCGGGCTCTTCTGTCCCAC[A>C]TGGAGCCGGAGACTCACCCTGAATGTCATCTACAAAAGGGAAGGGGAGAAAAGTCAGGGG-3'
Protein context (NP_001120694.1, residues 262-282): DDIQGESPAP[Cys272Gly]GTEEPARTCP